The following is an entry in ClinVar:

ClinVar aggregate classification (germline): Uncertain significance (1 of 4 stars; one submission).

Conditions:
Hereditary nonpolyposis colorectal neoplasms. Identifiers: MedGen C0009405, MeSH D003123.

Allele frequency attached by ClinVar (database versions not stated): TOPMed below 0.00001; gnomAD 0.00001.

Submission:

Labcorp Genetics (formerly Invitae), Labcorp
Classification: Uncertain significance for Hereditary nonpolyposis colorectal neoplasms. Last evaluated: 2021-10-03. Review status: criteria provided, single submitter. Criteria: Invitae Variant Classification Sherloc (09022015). Collection method: clinical testing. Allele origin: germline.
Comment: In summary, the available evidence is currently insufficient to determine the role of this variant in disease. Therefore, it has been classified as a Variant of Uncertain Significance. This sequence change replaces phenylalanine with tyrosine at codon 320 of the PMS2 protein (p.Phe320Tyr). The phenylalanine residue is highly conserved and there is a small physicochemical difference between phenylalanine and tyrosine. This variant is not present in population databases (ExAC no frequency). This variant has not been reported in the literature in individuals affected with PMS2-related conditions. Algorithms developed to predict the effect of missense changes on protein structure and function are either unavailable or do not agree on the potential impact of this missense change (SIFT: "Deleterious"; PolyPhen-2: "Probably Damaging"; Align-GVGD: "Class C15").

NM_000535.7(PMS2):c.959T>A (p.Phe320Tyr)

Gene: PMS2 (PMS1 homolog 2, mismatch repair system component; minus strand). Cytogenetic location: 7p22.1.
Variant type: single nucleotide variant.
Coding change: c.959T>A on transcript NM_000535.7 (MANE Select); coding-DNA position 959, T replaced by A.
Protein change: p.Phe320Tyr; replaces phenylalanine 320 with tyrosine.
Molecular consequence: missense variant. On other transcripts: non-coding transcript variant (1).
Genome position (GRCh38, 1-based): chr7:5,992,002, A>T on the plus strand (T>A on the coding strand, the complement: PMS2 is on the minus strand). VCF-style: chr7-5992002-A-T. GRCh37 (hg19) VCF-style: chr7-6031633-A-T.
Other names: c.554T>A, p.Phe185Tyr (NM_001322003.2, NM_001322004.2, NM_001322005.2 and 2 more transcripts); c.959T>A, p.Phe320Tyr (NM_001322006.2, NM_001322014.2); c.641T>A, p.Phe214Tyr (NM_001322007.2, NM_001322008.2); c.26T>A, p.Phe9Tyr (NM_001322011.2, NM_001322012.2); c.386T>A, p.Phe129Tyr (NM_001322013.2); c.650T>A, p.Phe217Tyr (NM_001322015.2); short protein forms F185Y, F320Y, F9Y, F217Y, F129Y, F214Y.
Identifiers: ClinVar variation 950154 (VCV000950154.7), dbSNP rs1060503121, ClinGen allele CA366743113.